The following is an entry in ClinVar:

ClinVar aggregate classification (germline): Uncertain significance (1 of 4 stars; one submission).

Conditions:
Congenital myasthenic syndrome 2A. Also called: Myasthenic syndrome, congenital, 2a, slow-channel. Identifiers: Orphanet 590, MedGen C4225374, MONDO:0014581, OMIM 616313.

Allele frequency attached by ClinVar (database versions not stated): gnomAD 0.00001.
gnomAD v4.1: 1 of 1,614,016 alleles (0.000062%); highest among the groups gnomAD compares: Admixed American, 0.0017%; no homozygotes.

Submission:

Labcorp Genetics (formerly Invitae), Labcorp
Classification: Uncertain significance for Congenital myasthenic syndrome 2A. Last evaluated: 2019-11-01. Review status: criteria provided, single submitter. Criteria: Invitae Variant Classification Sherloc (09022015). Collection method: clinical testing. Allele origin: germline.
Comment: In summary, the available evidence is currently insufficient to determine the role of this variant in disease. Therefore, it has been classified as a Variant of Uncertain Significance. This sequence change replaces arginine with glycine at codon 393 of the CHRNB1 protein (p.Arg393Gly). The arginine residue is highly conserved and there is a moderate physicochemical difference between arginine and glycine. This variant is not present in population databases (ExAC no frequency). This variant has not been reported in the literature in individuals with CHRNB1-related conditions. Algorithms developed to predict the effect of missense changes on protein structure and function are either unavailable or do not agree on the potential impact of this missense change (SIFT: "Tolerated"; PolyPhen-2: "Probably Damaging"; Align-GVGD: "Class C0").

NM_000747.3(CHRNB1):c.1177C>G (p.Arg393Gly)

Gene: CHRNB1 (cholinergic receptor nicotinic beta 1 subunit; plus strand). Cytogenetic location: 17p13.1.
Variant type: single nucleotide variant.
Coding change: c.1177C>G on transcript NM_000747.3 (MANE Select); coding-DNA position 1177, C replaced by G.
Protein change: p.Arg393Gly; replaces arginine 393 with glycine.
Molecular consequence: missense variant.
Genome position (GRCh38, 1-based): chr17:7,455,416, C>G. VCF-style: chr17-7455416-C-G. GRCh37 (hg19) VCF-style: chr17-7358735-C-G.
Other names: short protein forms R393G.
Identifiers: ClinVar variation 938548 (VCV000938548.9), dbSNP rs2069939028, ClinGen allele CA397801410.